The following is an entry in ClinVar:

NM_001292063.2(OTOG):c.2955T>A (p.Phe985Leu)

Gene: OTOG (otogelin; plus strand). Cytogenetic location: 11p15.1.
Variant type: single nucleotide variant.
Coding change: c.2955T>A on transcript NM_001292063.2 (MANE Select); coding-DNA position 2955, T replaced by A.
Protein change: p.Phe985Leu; replaces phenylalanine 985 with leucine.
Molecular consequence: missense variant.
Genome position (GRCh38, 1-based): chr11:17,591,537, T>A. VCF-style: chr11-17591537-T-A. GRCh37 (hg19) VCF-style: chr11-17613084-T-A.
Other names: c.2991T>A, p.Phe997Leu (NM_001277269.2); short protein forms F985L, F997L.
Identifiers: ClinVar variation 4070742 (VCV004070742.1).
Genomic context (GRCh38, chr11:17,591,537, plus strand): 5'-CACCCTGCACCCTTGCGCCTCCACCTGCACTGCCTATGGGGACCGGCATTACCGCACGTT[T>A]GATGGGCTCCCGTTTGACTTCGTGGGGGCATGCAAAGTGCACCTGGTCAAGGTGAGTTCC-3'
Protein context (NP_001278992.1, residues 975-995): TAYGDRHYRT[Phe985Leu]DGLPFDFVGA

ClinVar aggregate classification (germline): Uncertain significance (1 of 4 stars; one submission).

gnomAD v4.1: 1 of 1,550,582 alleles (0.000064%); highest among the groups gnomAD compares: African/African-American, 0.0014%; no homozygotes.

Submission:

GeneDx
Classification: Uncertain significance. Last evaluated: 2025-01-17. Review status: criteria provided, single submitter. Criteria: GeneDx Variant Classification Process June 2021. Collection method: clinical testing. Allele origin: germline. Affected: yes.
Comment: Not observed at significant frequency in large population cohorts (gnomAD); In silico analysis supports that this missense variant has a deleterious effect on protein structure/function; Has not been previously published as pathogenic or benign to our knowledge